The following is an entry in ClinVar:

NM_005733.3(KIF20A):c.2657T>C (p.Phe886Ser)

Gene: KIF20A (kinesin family member 20A; plus strand). Cytogenetic location: 5q31.2.
Variant type: single nucleotide variant.
Coding change: c.2657T>C on transcript NM_005733.3 (MANE Select); coding-DNA position 2657, T replaced by C.
Protein change: p.Phe886Ser; replaces phenylalanine 886 with serine.
Molecular consequence: missense variant.
Genome position (GRCh38, 1-based): chr5:138,187,397, T>C. VCF-style: chr5-138187397-T-C. GRCh37 (hg19) VCF-style: chr5-137523086-T-C.
Other names: short protein forms F886S.
Identifiers: ClinVar variation 1948404 (VCV001948404.5), dbSNP rs1026475256, ClinGen allele CA128189385.

ClinVar aggregate classification (germline): Uncertain significance (1 of 4 stars; one submission).

Allele frequency attached by ClinVar (database versions not stated): gnomAD exomes below 0.00001; TOPMed 0.00001.

Submission:

Labcorp Genetics (formerly Invitae), Labcorp
Classification: Uncertain significance. Last evaluated: 2022-10-19. Review status: criteria provided, single submitter. Criteria: Invitae Variant Classification Sherloc (09022015). Collection method: clinical testing. Allele origin: germline.
Comment: In summary, the available evidence is currently insufficient to determine the role of this variant in disease. Therefore, it has been classified as a Variant of Uncertain Significance. Algorithms developed to predict the effect of missense changes on protein structure and function are either unavailable or do not agree on the potential impact of this missense change (SIFT: "Deleterious"; PolyPhen-2: "Benign"; Align-GVGD: "Class C55"). This variant has not been reported in the literature in individuals affected with KIF20A-related conditions. This variant is not present in population databases (gnomAD no frequency). This sequence change replaces phenylalanine, which is neutral and non-polar, with serine, which is neutral and polar, at codon 886 of the KIF20A protein (p.Phe886Ser).